The following is an entry in ClinVar:

NM_004380.3(CREBBP):c.926C>T (p.Thr309Ile)

Gene: CREBBP (CREB binding protein; minus strand). Cytogenetic location: 16p13.3.
Variant type: single nucleotide variant.
Coding change: c.926C>T on transcript NM_004380.3 (MANE Select); coding-DNA position 926, C replaced by T.
Protein change: p.Thr309Ile; replaces threonine 309 with isoleucine.
Molecular consequence: missense variant.
Genome position (GRCh38, 1-based): chr16:3,810,652, G>A on the plus strand (C>T on the coding strand, the complement: CREBBP is on the minus strand). VCF-style: chr16-3810652-G-A. GRCh37 (hg19) VCF-style: chr16-3860653-G-A.
Other names: c.926C>T, p.Thr309Ile (NM_001079846.1); short protein forms T309I.
Identifiers: ClinVar variation 3233524 (VCV003233524.2), dbSNP rs2141346734, ClinGen allele CA394565933.

ClinVar aggregate classification (germline): Uncertain significance (1 of 4 stars; one submission).

Allele frequency attached by ClinVar (database versions not stated): gnomAD exomes below 0.00001.
gnomAD v4.1: 1 of 1,613,930 alleles (0.000062%); highest among the groups gnomAD compares: South Asian, 0.0011%; no homozygotes.

Submission:

Women's Health and Genetics/Laboratory Corporation of America, LabCorp
Classification: Uncertain significance. Last evaluated: 2024-03-11. Review status: criteria provided, single submitter. Criteria: LabCorp Variant Classification Summary - May 2015. Collection method: clinical testing. Allele origin: germline.
Comment: Variant summary: CREBBP c.926C>T (p.Thr309Ile) results in a non-conservative amino acid change in the encoded protein sequence. Four of five in-silico tools predict a benign effect of the variant on protein function. The variant was absent in 251468 control chromosomes (gnomAD). The available data on variant occurrences in the general population are insufficient to allow any conclusion about variant significance. To our knowledge, no occurrence of c.926C>T in individuals affected with Rubinstein-Taybi Syndrome and no experimental evidence demonstrating its impact on protein function have been reported. No submitters have cited clinical-significance assessments for this variant to ClinVar. Based on the evidence outlined above, the variant was classified as uncertain significance.